The following is an entry in ClinVar:

ClinVar aggregate classification (germline): Uncertain significance (1 of 4 stars; one submission).

Submission:

Dasa
Classification: Uncertain significance. Last evaluated: 2026-04-09. Review status: criteria provided, single submitter. Criteria: DASA Assertion Criteria. Collection method: clinical testing. Allele origin: germline.
Comment: NM_014336.5(AIPL1):c.812C>T (p.Ala271Val) is a missense variant that results in the substitution of alanine with valine. This variant is rare in population databases. The currently available literature and clinical evidence are not sufficient to establish a definitive association between this variant and the reported condition. Therefore, this variant is classified as a variant of uncertain significance.

NM_014336.5(AIPL1):c.812C>T (p.Ala271Val)

Gene: AIPL1 (AIP like 1 HSP90 co-chaperone; minus strand). Cytogenetic location: 17p13.2.
Variant type: single nucleotide variant.
Coding change: c.812C>T on transcript NM_014336.5 (MANE Select); coding-DNA position 812, C replaced by T.
Protein change: p.Ala271Val; replaces alanine 271 with valine.
Molecular consequence: missense variant. On other transcripts: 3 prime UTR variant (1).
Genome position (GRCh38, 1-based): chr17:6,425,803, G>A on the plus strand (C>T on the coding strand, the complement: AIPL1 is on the minus strand). VCF-style: chr17-6425803-G-A. GRCh37 (hg19) VCF-style: chr17-6329123-G-A.
Other names: c.*783C>T (NM_001285403.4); c.623C>T, p.Ala208Val (NM_001033054.3); c.632C>T, p.Ala211Val (NM_001033055.3); c.776C>T, p.Ala259Val (NM_001285399.3); c.746C>T, p.Ala249Val (NM_001285400.3); c.740C>T, p.Ala247Val (NM_001285401.3); c.695C>T, p.Ala232Val (NM_001285402.2); short protein forms A208V, A211V, A232V, A247V, A249V, A259V, A271V.
Identifiers: ClinVar variation 4883438 (VCV004883438.2).